The following is an entry in ClinVar:

NM_001374736.1(DST):c.4855A>G (p.Thr1619Ala)

Gene: DST (dystonin; minus strand). Cytogenetic location: 6p12.1.
Variant type: single nucleotide variant.
Coding change: c.4855A>G on transcript NM_001374736.1 (MANE Select); coding-DNA position 4855, A replaced by G.
Protein change: p.Thr1619Ala; replaces threonine 1619 with alanine.
Molecular consequence: missense variant.
Genome position (GRCh38, 1-based): chr6:56,624,604, T>C on the plus strand (A>G on the coding strand, the complement: DST is on the minus strand). VCF-style: chr6-56624604-T-C. GRCh37 (hg19) VCF-style: chr6-56489402-T-C.
Other names: c.4756A>G, p.Thr1586Ala (NM_001144769.5); c.4342A>G, p.Thr1448Ala (NM_001144770.2); c.4855A>G, p.Thr1619Ala (NM_001374722.1); c.4222A>G, p.Thr1408Ala (NM_001374729.1, NM_001374730.1, NM_001386100.1 and 1 more transcripts); c.4882A>G, p.Thr1628Ala (NM_001374734.1); c.3244A>G, p.Thr1082Ala (NM_001723.7, NM_015548.5); short protein forms T1408A, T1586A, T1619A, T1082A, T1448A, T1628A.
Identifiers: ClinVar variation 1991859 (VCV001991859.4), dbSNP rs2098717265, ClinGen allele CA364572603.

ClinVar aggregate classification (germline): Uncertain significance (1 of 4 stars; one submission).

Conditions:
Epidermolysis bullosa simplex 3, localized or generalized intermediate, with BP230 deficiency (EBS3). Also called: Epidermolysis bullosa simplex, autosomal recessive 2; Epidermolysis bullosa simplex due to BP230 deficiency. Identifiers: Orphanet 412181, MedGen C3809470, MONDO:0014180, OMIM 615425.
Hereditary sensory and autonomic neuropathy type 6. Also called: Neuropathy, hereditary sensory and autonomic, type VI; HSAN VI. Identifiers: Orphanet 314381, MedGen C3539003, MONDO:0013839, OMIM 614653.

Allele frequency attached by ClinVar (database versions not stated): gnomAD exomes below 0.00001.
gnomAD v4.1: 1 of 1,613,002 alleles (0.000062%); highest among the groups gnomAD compares: Non-Finnish European, 0.000085%; no homozygotes.

Submission:

Labcorp Genetics (formerly Invitae), Labcorp
Classification: Uncertain significance for Epidermolysis bullosa simplex 3, localized or generalized intermediate, with BP230 deficiency; Hereditary sensory and autonomic neuropathy type 6. Last evaluated: 2022-03-22. Review status: criteria provided, single submitter. Criteria: Invitae Variant Classification Sherloc (09022015). Collection method: clinical testing. Allele origin: germline.
Comment: This sequence change replaces threonine, which is neutral and polar, with alanine, which is neutral and non-polar, at codon 1082 of the DST protein (p.Thr1082Ala). In summary, the available evidence is currently insufficient to determine the role of this variant in disease. Therefore, it has been classified as a Variant of Uncertain Significance. Algorithms developed to predict the effect of missense changes on protein structure and function (SIFT, PolyPhen-2, Align-GVGD) all suggest that this variant is likely to be disruptive. This variant has not been reported in the literature in individuals affected with DST-related conditions. This variant is not present in population databases (gnomAD no frequency).